The following is an entry in ClinVar:

NM_001374504.1(TMPRSS6):c.1842-31CCCCA[4]

Gene: TMPRSS6 (transmembrane serine protease 6; minus strand). Cytogenetic location: 22q12.3.
Variant type: Microsatellite.
Coding change: c.1842-31CCCCA[4] on transcript NM_001374504.1 (MANE Select); four copies in a row of the 5-base unit CCCCA starting at c.1842-31; the reference has six copies in a row; two copies, 10 bases deleted.
Molecular consequence: splice acceptor variant.
Genome position (GRCh38, 1-based): chr22:37,069,346-37,069,355, TGGGGTGGGG deleted on the plus strand (CCCCACCCCA on the coding strand, the reverse complement: TMPRSS6 is on the minus strand); deleting any 10 consecutive bases within chr22:37,069,346-37,069,377 gives the same sequence; the position shown is the placement nearest the transcript's 3' end. VCF-style (leftmost placement, unchanged base first): chr22-37069345-CTGGGGTGGGG-C. GRCh37 (hg19) VCF-style: chr22-37465385-CTGGGGTGGGG-C.
Other names: c.1842-31CCCCA[4] (NM_001289000.2, NM_001289001.2, NM_153609.4).
Identifiers: ClinVar variation 3054547 (VCV003054547.2), dbSNP rs60484081, ClinGen allele CA10215440.

ClinVar aggregate classification (germline): Likely benign (0 of 4 stars; one submission).

Conditions:
TMPRSS6-related disorder. Also called: TMPRSS6-related condition.

Submission:

PreventionGenetics, part of Exact Sciences
Classification: Likely benign for TMPRSS6-related condition. Last evaluated: 2021-07-13. Review status: no assertion criteria provided. Collection method: clinical testing. Allele origin: germline.
Comment: This variant is classified as likely benign based on ACMG/AMP sequence variant interpretation guidelines (Richards et al. 2015 PMID: 25741868, with internal and published modifications).